The following is an entry in ClinVar:

NM_020922.5(WNK3):c.4267A>C (p.Ser1423Arg)

Gene: WNK3 (WNK lysine deficient protein kinase 3; minus strand). Cytogenetic location: Xp11.22.
Variant type: single nucleotide variant.
Coding change: c.4267A>C on transcript NM_020922.5 (MANE Select); coding-DNA position 4267, A replaced by C.
Protein change: p.Ser1423Arg; replaces serine 1423 with arginine.
Molecular consequence: missense variant.
Genome position (GRCh38, 1-based): chrX:54,237,299, T>G on the plus strand (A>C on the coding strand, the complement: WNK3 is on the minus strand). VCF-style: chrX-54237299-T-G. GRCh37 (hg19) VCF-style: chrX-54263732-T-G.
Other names: c.4126A>C, p.Ser1376Arg (NM_001002838.4); short protein forms S1423R, S1376R.
Identifiers: ClinVar variation 392875 (VCV000392875.2), dbSNP rs1057524673, ClinGen allele CA16608956.

ClinVar aggregate classification (germline): Uncertain significance (1 of 4 stars; one submission).

Allele frequency attached by ClinVar (database versions not stated): gnomAD exomes 0.00001; TOPMed 0.00001; gnomAD 0.00002.
gnomAD v4.1: 13 of 1,211,005 alleles (0.0011%); highest among the groups gnomAD compares: African/African-American, 0.0017%; no homozygotes.

Submission:

GeneDx
Classification: Uncertain significance. Last evaluated: 2017-01-19. Review status: criteria provided, single submitter. Criteria: GeneDx Variant Classification (06012015). Collection method: clinical testing. Allele origin: germline. Affected: yes.
Comment: The S1423R variant in the WNK3 gene has not been reported previously as a pathogenic variant, nor as a benign variant, to our knowledge. The S1423R variant was not observed in approximately 6500 individuals of European and African American ancestry in the NHLBI Exome Sequencing Project, indicating it is not a common benign variant in these populations. The S1423R variant is a semi-conservative amino acid substitution, which may impact secondary protein structure as these residues differ in some properties. This substitution occurs at a position that is conserved across species. In silico analysis predicts this variant is probably damaging to the protein structure/function. We interpret S1423R as a variant of uncertain significance.